The following is an entry in ClinVar:

ClinVar aggregate classification (germline): Conflicting classifications of pathogenicity. Review status: criteria provided, conflicting classifications (1 of 4 stars). 3 submissions from 3 submitters: Uncertain significance (1); Likely benign (2). Last evaluated 2026-09-10.

Conditions:
Hereditary insensitivity to pain with anhidrosis (CIPA). Also called: hereditary sensory and autonomic neuropathy type 4; INSENSITIVITY TO PAIN, CONGENITAL, WITH ANHIDROSIS; HSAN Type IV; NTRK1 Congenital Insensitivity to Pain with Anhidrosis; FAMILIAL DYSAUTONOMIA, TYPE II; NEUROPATHY, CONGENITAL SENSORY, WITH ANHIDROSIS. Identifiers: Orphanet 642, MedGen C0020074, MONDO:0009746, OMIM 256800.
NTRK1-related disorder. Also called: NTRK1-related condition.

Allele frequency attached by ClinVar (database versions not stated): gnomAD exomes 0.00001 and 0.00002; ExAC 0.00002.
gnomAD v4.1: 7 of 1,614,150 alleles (0.00043%); highest among the groups gnomAD compares: South Asian, 0.0044%; no homozygotes.

Submissions (3):

PreventionGenetics, part of Exact Sciences
Classification: Likely benign for NTRK1-related condition. Last evaluated: 2026-09-10. Review status: criteria provided, single submitter. Criteria: ACMG Guidelines, 2015. Collection method: clinical testing. Allele origin: germline.
Comment: This variant is classified as likely benign based on ACMG/AMP sequence variant interpretation guidelines (Richards et al. 2015 PMID: 25741868, with internal and published modifications).

Labcorp Genetics (formerly Invitae), Labcorp
Classification: Likely benign for Hereditary insensitivity to pain with anhidrosis. Last evaluated: 2020-05-28. Review status: criteria provided, single submitter. Criteria: Invitae Variant Classification Sherloc (09022015). Collection method: clinical testing. Allele origin: germline.

Illumina Laboratory Services, Illumina
Classification: Uncertain significance for Hereditary insensitivity to pain with anhidrosis. Last evaluated: 2018-01-13. Review status: criteria provided, single submitter. Criteria: ICSL Variant Classification Criteria 13 December 2019. Collection method: clinical testing. Allele origin: germline.

NM_002529.4(NTRK1):c.1917G>A (p.Val639=)

Gene: NTRK1 (neurotrophic receptor tyrosine kinase 1; plus strand). Cytogenetic location: 1q23.1.
Variant type: single nucleotide variant.
Coding change: c.1917G>A on transcript NM_002529.4 (MANE Select); coding-DNA position 1917, G replaced by A.
Protein change: p.Val639=; no amino-acid change (valine 639 retained).
Molecular consequence: synonymous variant.
Genome position (GRCh38, 1-based): chr1:156,879,233, G>A. VCF-style: chr1-156879233-G-A. GRCh37 (hg19) VCF-style: chr1-156849025-G-A.
Other names: c.1917G>A (NM_002529.3); c.1809G>A, p.Val603= (NM_001007792.1); c.1899G>A, p.Val633= (NM_001012331.2).
Identifiers: ClinVar variation 874762 (VCV000874762.14), dbSNP rs760171782, ClinGen allele CA1169517.